The following is an entry in ClinVar:

NM_033305.3(VPS13A):c.6059del (p.Pro2020fs)

Gene: VPS13A (vacuolar protein sorting 13 homolog A; plus strand). Cytogenetic location: 9q21.2.
Variant type: Deletion.
Coding change: c.6059del on transcript NM_033305.3 (MANE Select); coding-DNA position 6059, one base deleted (C; older notation c.6059delC).
Protein change: p.Pro2020fs; shifts the reading frame from proline 2020.
Molecular consequence: frameshift variant.
Genome position (GRCh38, 1-based): chr9:77,332,077, C deleted; the last of 2 consecutive C bases (chr9:77,332,076-77,332,077); deleting either gives the same sequence. VCF-style (leftmost placement, unchanged base first): chr9-77332075-AC-A. GRCh37 (hg19) VCF-style: chr9-79946991-AC-A.
Other names: c.5942del, p.Pro1981fs (NM_001018037.2); c.6059del, p.Pro2020fs (NM_001018038.3, NM_015186.4); c.6059delC (NM_033305.2); short protein forms P1981fs, P2020fs.
Identifiers: ClinVar variation 838917 (VCV000838917.19), dbSNP rs781242821, ClinGen allele CA5092932.

ClinVar aggregate classification (germline): Pathogenic. Review status: criteria provided, multiple submitters, no conflicts (2 of 4 stars). 7 submissions from 7 submitters: Pathogenic (6). 1 of the submissions does not count toward it. Last evaluated 2026-01-13.

Conditions:
VPS13A-related disorder. Also called: VPS13A-related condition.
VPS13A-related neurodegenerative disease. Also called: Choreoacanthocytosis; Chorea-acanthocytosis; ACANTHOCYTOSIS WITH NEUROLOGIC DISORDER; LEVINE-CRITCHLEY SYNDROME; VPS13A Disease; Choreaacanthocytosis. Identifiers: Orphanet 2388, MedGen C0393576, MONDO:0008695, OMIM 200150.

Submissions (7):

Labcorp Genetics (formerly Invitae), Labcorp
Classification: Pathogenic. Last evaluated: 2026-01-13. Review status: criteria provided, single submitter. Criteria: Invitae Variant Classification Sherloc (09022015). Collection method: clinical testing. Allele origin: germline.
Comment: This sequence change creates a premature translational stop signal (p.Pro2020Leufs*9) in the VPS13A gene. It is expected to result in an absent or disrupted protein product. Loss-of-function variants in VPS13A are known to be pathogenic (PMID: 12404112, 21598378). This variant is present in population databases (rs781242821, gnomAD 0.06%). This premature translational stop signal has been observed in individual(s) with chorea-acanthocytosis (PMID: 12404112, 15824261, 21598378). This variant is also known as 2019SfsX8. ClinVar contains an entry for this variant (Variation ID: 838917). For these reasons, this variant has been classified as Pathogenic.

Natera, Inc.
Classification: Pathogenic for Choreaacanthocytosis. Last evaluated: 2025-10-30. Review status: criteria provided, single submitter. Criteria: Natera Variant Classification Schema (03/2026). Collection method: clinical testing. Allele origin: germline.
Comment: The c.6059delC variant in VPS13A is a frameshift variant predicted to shift the reading frame beginning at codon 2020 and leads to a stop codon 9 codons downstream. This variant is expected to result in nonsense mediated decay, truncation, or a dysfunctional protein product. The frequency of this variant in the general population is greater than expected for disorder. This variant has been observed in one or more individuals affected with the associated recessive disease, as either homozygous or compound heterozygous with a second variant (PMID: 21598378). Given the available evidence, this variant is classified as Pathogenic.

Blueprint Genetics
Classification: Pathogenic for VPS13A-related disorders. Last evaluated: 2024-10-21. Review status: criteria provided, single submitter. Criteria: ACMG Guidelines, 2015. Collection method: clinical testing. Allele origin: germline. Affected: yes. Observed: 3 variant alleles.

Fulgent Genetics
Classification: Pathogenic for VPS13A-related neurodegenerative disease. Last evaluated: 2024-03-29. Review status: criteria provided, single submitter. Criteria: ACMG Guidelines, 2015. Collection method: clinical testing. Allele origin: germline.

Revvity Omics, Revvity
Classification: Pathogenic for VPS13A-related neurodegenerative disease. Last evaluated: 2023-08-08. Review status: criteria provided, single submitter. Criteria: ACMG Guidelines, 2015. Collection method: clinical testing. Allele origin: germline.

Institute of Medical Genetics and Applied Genomics, University Hospital Tübingen
Classification: Pathogenic. Last evaluated: 2020-10-23. Review status: criteria provided, single submitter. Criteria: ACMG Guidelines, 2015. Collection method: clinical testing. Allele origin: germline. Inheritance: Autosomal recessive inheritance. Affected: yes.

OMIM
Classification: Pathogenic for CHOREOACANTHOCYTOSIS. Last evaluated: 2005-04-01. Review status: no assertion criteria provided. Collection method: literature only. Allele origin: germline. Not counted in ClinVar's aggregate classification.

Literature cited by the submitters: PubMed 12404112 (cited by Labcorp Genetics (formerly Invitae), Labcorp); PubMed 21598378 (cited by Labcorp Genetics (formerly Invitae), Labcorp and Natera, Inc.); PubMed 15824261 (cited by Labcorp Genetics (formerly Invitae), Labcorp and OMIM).